The following is an entry in ClinVar:

NM_001292063.2(OTOG):c.6444C>A (p.His2148Gln)

Gene: OTOG (otogelin; plus strand). Cytogenetic location: 11p15.1.
Variant type: single nucleotide variant.
Coding change: c.6444C>A on transcript NM_001292063.2 (MANE Select); coding-DNA position 6444, C replaced by A.
Protein change: p.His2148Gln; replaces histidine 2148 with glutamine.
Molecular consequence: missense variant.
Genome position (GRCh38, 1-based): chr11:17,613,617, C>A. VCF-style: chr11-17613617-C-A. GRCh37 (hg19) VCF-style: chr11-17635164-C-A.
Other names: c.6480C>A, p.His2160Gln (NM_001277269.2); short protein forms H2148Q, H2160Q.
Identifiers: ClinVar variation 4082743 (VCV004082743.1).

ClinVar aggregate classification (germline): Uncertain significance (1 of 4 stars; one submission).

gnomAD v4.1: 1 of 1,550,616 alleles (0.000064%); highest among the groups gnomAD compares: Non-Finnish European, 0.000087%; no homozygotes.

Submission:

GeneDx
Classification: Uncertain significance. Last evaluated: 2025-03-04. Review status: criteria provided, single submitter. Criteria: GeneDx Variant Classification Process June 2021. Collection method: clinical testing. Allele origin: germline. Affected: yes.
Comment: Not observed at significant frequency in large population cohorts (gnomAD); In silico analysis indicates that this missense variant does not alter protein structure/function; Has not been previously published as pathogenic or benign to our knowledge